The following is an entry in ClinVar:

ClinVar aggregate classification (germline): Uncertain significance (1 of 4 stars; one submission).

Conditions:
Familial infantile myasthenia (CMS6). Also called: MYASTHENIC SYNDROME, PRESYNAPTIC, CONGENITAL, ASSOCIATED WITH EPISODIC APNEA; MYASTHENIC SYNDROME, CONGENITAL, 6, PRESYNAPTIC; Congenital myasthenic syndrome type 6. Identifiers: Orphanet 590, MedGen C0393929, MONDO:0009689, OMIM 254210.

Allele frequency attached by ClinVar (database versions not stated): gnomAD exomes below 0.00001; TOPMed below 0.00001.
gnomAD v4.1: 3 of 1,614,096 alleles (0.00019%); highest among the groups gnomAD compares: Non-Finnish European, 0.00025%; no homozygotes.

Submission:

Labcorp Genetics (formerly Invitae), Labcorp
Classification: Uncertain significance for Familial infantile myasthenia. Last evaluated: 2022-02-24. Review status: criteria provided, single submitter. Criteria: Invitae Variant Classification Sherloc (09022015). Collection method: clinical testing. Allele origin: germline.
Comment: This sequence change replaces valine, which is neutral and non-polar, with leucine, which is neutral and non-polar, at codon 551 of the CHAT protein (p.Val551Leu). This variant is not present in population databases (gnomAD no frequency). This variant has not been reported in the literature in individuals affected with CHAT-related conditions. ClinVar contains an entry for this variant (Variation ID: 566556). Advanced modeling of protein sequence and biophysical properties (such as structural, functional, and spatial information, amino acid conservation, physicochemical variation, residue mobility, and thermodynamic stability) performed at Invitae indicates that this missense variant is not expected to disrupt CHAT protein function. In summary, the available evidence is currently insufficient to determine the role of this variant in disease. Therefore, it has been classified as a Variant of Uncertain Significance.

NM_020549.5(CHAT):c.1651G>C (p.Val551Leu)

Gene: CHAT (choline O-acetyltransferase; plus strand). Cytogenetic location: 10q11.23.
Variant type: single nucleotide variant.
Coding change: c.1651G>C on transcript NM_020549.5 (MANE Select); coding-DNA position 1651, G replaced by C.
Protein change: p.Val551Leu; replaces valine 551 with leucine.
Molecular consequence: missense variant.
Genome position (GRCh38, 1-based): chr10:49,655,111, G>C. VCF-style: chr10-49655111-G-C. GRCh37 (hg19) VCF-style: chr10-50863157-G-C.
Other names: c.1297G>C, p.Val433Leu (NM_001142929.2, NM_001142934.2, NM_020984.4 and 2 more transcripts); c.1405G>C, p.Val469Leu (NM_001142933.2); short protein forms V433L, V551L, V469L.
Identifiers: ClinVar variation 566556 (VCV000566556.6), dbSNP rs1564493573, ClinGen allele CA376747152.